The following is an entry in ClinVar:

ClinVar aggregate classification (germline): Uncertain significance (1 of 4 stars; one submission).

Conditions:
Idiopathic Pulmonary Fibrosis. Also called: Idiopathic fibrosing alveolitis, chronic form; idiopathic fibrosing alveolitis. Identifiers: Orphanet 2032, MedGen C1800706, MeSH D054990, MONDO:0800504.
Dyskeratosis congenita, autosomal dominant 2. Identifiers: MedGen C3151443, MONDO:0013521, OMIM 613989.

gnomAD v4.1: 1 of 1,542,622 alleles (0.000065%); highest among the groups gnomAD compares: Non-Finnish European, 0.000087%; no homozygotes.

Submission:

Labcorp Genetics (formerly Invitae), Labcorp
Classification: Uncertain significance for Dyskeratosis congenita, autosomal dominant 2; Idiopathic Pulmonary Fibrosis. Last evaluated: 2023-10-13. Review status: criteria provided, single submitter. Criteria: Invitae Variant Classification Sherloc (09022015). Collection method: clinical testing. Allele origin: germline.
Comment: This sequence change replaces proline, which is neutral and non-polar, with alanine, which is neutral and non-polar, at codon 322 of the TERT protein (p.Pro322Ala). This variant is not present in population databases (gnomAD no frequency). This variant has not been reported in the literature in individuals affected with TERT-related conditions. ClinVar contains an entry for this variant (Variation ID: 954366). Advanced modeling of protein sequence and biophysical properties (such as structural, functional, and spatial information, amino acid conservation, physicochemical variation, residue mobility, and thermodynamic stability) has been performed at Invitae for this missense variant, however the output from this modeling did not meet the statistical confidence thresholds required to predict the impact of this variant on TERT protein function. In summary, the available evidence is currently insufficient to determine the role of this variant in disease. Therefore, it has been classified as a Variant of Uncertain Significance.

NM_198253.3(TERT):c.964C>G (p.Pro322Ala)

Gene: TERT (telomerase reverse transcriptase; minus strand). Cytogenetic location: 5p15.33.
Variant type: single nucleotide variant.
Coding change: c.964C>G on transcript NM_198253.3 (MANE Select); coding-DNA position 964, C replaced by G.
Protein change: p.Pro322Ala; replaces proline 322 with alanine.
Molecular consequence: missense variant. On other transcripts: non-coding transcript variant (2).
Genome position (GRCh38, 1-based): chr5:1,293,922, G>C on the plus strand (C>G on the coding strand, the complement: TERT is on the minus strand). VCF-style: chr5-1293922-G-C. GRCh37 (hg19) VCF-style: chr5-1294037-G-C.
Other names: c.964C>G, p.Pro322Ala (NM_001193376.3); short protein forms P322A.
Identifiers: ClinVar variation 954366 (VCV000954366.10), dbSNP rs1751177770, ClinGen allele CA359056063.